The following is an entry in ClinVar:

ClinVar aggregate classification (germline): Likely benign. Review status: criteria provided, multiple submitters, no conflicts (2 of 4 stars). 4 submissions from 4 submitters: Likely benign (4). Last evaluated 2023-12-28.

Conditions:
Cardiovascular phenotype. Identifiers: MedGen CN230736.
Catecholaminergic polymorphic ventricular tachycardia (CVPT). Also called: Catecholamine-induced polymorphic ventricular tachycardia. Identifiers: Orphanet 3286, MedGen C5574922, MONDO:0017990.
Cardiomyopathy (CMYO). Also called: Cardiomyopathies. Identifiers: Orphanet 167848, MedGen C0878544, MONDO:0004994, HP:0001638. Inheritance: Various modes of inheritance.
Catecholaminergic polymorphic ventricular tachycardia 1. Also called: VENTRICULAR TACHYCARDIA, STRESS-INDUCED POLYMORPHIC 1; VENTRICULAR TACHYCARDIA, CATECHOLAMINERGIC POLYMORPHIC, 1, WITH OR WITHOUT ATRIAL DYSFUNCTION AND/OR DILATED CARDIOMYOPATHY; RYR2-Related Catecholaminergic Polymorphic Ventricular Tachycardia. Identifiers: Orphanet 3286, MedGen C1631597, MONDO:0011484, OMIM 604772.

Allele frequency attached by ClinVar (database versions not stated): gnomAD exomes below 0.00001 and 0.00001; gnomAD 0.00001; ExAC 0.00002.
gnomAD v4.1: 2 of 1,611,704 alleles (0.00012%); highest among the groups gnomAD compares: East Asian, 0.0045%; no homozygotes.

Submissions (4):

Labcorp Genetics (formerly Invitae), Labcorp
Classification: Likely benign for Catecholaminergic polymorphic ventricular tachycardia 1. Last evaluated: 2023-12-28. Review status: criteria provided, single submitter. Criteria: Invitae Variant Classification Sherloc (09022015). Collection method: clinical testing. Allele origin: germline.

All of Us Research Program, National Institutes of Health
Classification: Likely benign for Catecholaminergic polymorphic ventricular tachycardia. Last evaluated: 2023-08-15. Review status: criteria provided, single submitter. Criteria: ACMG Guidelines, 2015. Collection method: clinical testing. Allele origin: germline. Inheritance: Autosomal dominant inheritance. Observed: 2 variant alleles, 2 heterozygotes.
Comment: This study involves interpretation of variants in research participants for the purpose of population health screening. Participant phenotype was not available at the time of variant classification. Additional details can be found in publication PMID: 35346344, PMCID: PMC8962531

Color Diagnostics, LLC DBA Color Health
Classification: Likely benign for Cardiomyopathy. Last evaluated: 2019-09-09. Review status: criteria provided, single submitter. Criteria: ACMG Guidelines, 2015. Collection method: clinical testing. Allele origin: germline.

Ambry Genetics
Classification: Likely benign for Cardiovascular phenotype. Last evaluated: 2015-09-04. Review status: criteria provided, single submitter. Criteria: Ambry Variant Classification Scheme 2023. Collection method: clinical testing. Allele origin: germline.

NM_001035.3(RYR2):c.9942C>G (p.Leu3314=)

Gene: RYR2 (ryanodine receptor 2; plus strand). Cytogenetic location: 1q43.
Variant type: single nucleotide variant.
Coding change: c.9942C>G on transcript NM_001035.3 (MANE Select); coding-DNA position 9942, C replaced by G.
Protein change: p.Leu3314=; no amino-acid change (leucine 3314 retained).
Molecular consequence: synonymous variant.
Genome position (GRCh38, 1-based): chr1:237,708,898, C>G. VCF-style: chr1-237708898-C-G. GRCh37 (hg19) VCF-style: chr1-237872198-C-G.
Other names: c.9942C>G, p.Leu3314= (LRG_402t1).
Identifiers: ClinVar variation 264296 (VCV000264296.11), dbSNP rs746973997, ClinGen allele CA087984.